The following is an entry in ClinVar:

NM_144966.5(FREM1):c.*1256T>A

Gene: FREM1 (FRAS1 related extracellular matrix 1; minus strand). Cytogenetic location: 9p22.3.
Variant type: single nucleotide variant.
Coding change: c.*1256T>A on transcript NM_144966.5; 1256 bases downstream of the stop codon, T replaced by A.
Genome position (GRCh38, 1-based): chr9:14,736,140, A>T on the plus strand (T>A on the coding strand, the complement: FREM1 is on the minus strand). VCF-style: chr9-14736140-A-T. GRCh37 (hg19) VCF-style: chr9-14736138-A-T.
Identifiers: ClinVar variation 366079 (VCV000366079.8), dbSNP rs11789504, ClinGen allele CA10626994.

ClinVar aggregate classification (germline): Benign. Review status: criteria provided, multiple submitters, no conflicts (2 of 4 stars). 2 submissions from 2 submitters: Benign (2). Last evaluated 2018-01-13.

Conditions:
Oculotrichoanal syndrome (MOTA). Also called: MARLES SYNDROME; Manitoba Oculotrichoanal (MOTA) Syndrome. Identifiers: Orphanet 2717, MedGen C1855425, MONDO:0009560, OMIM 248450.

Allele frequency attached by ClinVar (database versions not stated): 1000 Genomes Project 0.06270; gnomAD 0.10647; TOPMed 0.10959; 1000 Genomes Project 30x 0.06402; gnomAD exomes 0.50000.

Submissions (2):

Illumina Laboratory Services, Illumina
Classification: Benign for Oculotrichoanal syndrome. Last evaluated: 2018-01-13. Review status: criteria provided, single submitter. Criteria: ICSL Variant Classification Criteria 13 December 2019. Collection method: clinical testing. Allele origin: germline.
Comment: This variant was observed in the ICSL laboratory as part of a predisposition screen in an ostensibly healthy population. It had not been previously curated by ICSL or reported in the Human Gene Mutation Database (HGMD: prior to June 1st, 2018), and was therefore a candidate for classification through an automated scoring system. Utilizing variant allele frequency, disease prevalence and penetrance estimates, and inheritance mode, an automated score was calculated to assess if this variant is too frequent to cause the disease. Based on the score and internal cut-off values, a variant classified as benign is not then subjected to further curation. The score for this variant resulted in a classification of benign for this disease.

Breakthrough Genomics
Classification: Benign. Review status: criteria provided, single submitter. Criteria: ACMG Guidelines, 2015. Collection method: not provided. Allele origin: germline. Inheritance: Autosomal recessive inheritance. Affected: yes.